The following is an entry in ClinVar:

ClinVar aggregate classification (germline): Pathogenic/Likely pathogenic. Review status: criteria provided, multiple submitters, no conflicts (2 of 4 stars). 3 submissions from 3 submitters: Pathogenic (1); Likely pathogenic (1). 1 of the submissions does not count toward it. Last evaluated 2022-08-17.

Conditions:
Nemaline myopathy 2 (NEM2). Also called: Nemaline myopathy 2, autosomal recessive. Identifiers: MedGen C1850569, MONDO:0009725, OMIM 256030.

Allele frequency attached by ClinVar (database versions not stated): TOPMed below 0.00001.

Submissions (3):

Revvity Omics, Revvity
Classification: Likely pathogenic. Last evaluated: 2022-08-17. Review status: criteria provided, single submitter. Criteria: ACMG Guidelines, 2015. Collection method: clinical testing. Allele origin: germline.

Labcorp Genetics (formerly Invitae), Labcorp
Classification: Pathogenic for Nemaline myopathy 2. Last evaluated: 2018-07-08. Review status: criteria provided, single submitter. Criteria: Invitae Variant Classification Sherloc (09022015). Collection method: clinical testing. Allele origin: germline.
Comment: This sequence change affects an acceptor splice site in intron 35 of the NEB gene. It is expected to disrupt RNA splicing and likely results in an absent or disrupted protein product. This variant is not present in population databases (ExAC no frequency). This variant has been observed in an individual affected with nemaline myopathy (PMID: 25205138). Donor and acceptor splice site variants typically lead to a loss of protein function (PMID: 16199547), and loss-of-function variants in NEB are known to be pathogenic (PMID: 25205138). For these reasons, this variant has been classified as Pathogenic.

Counsyl
Classification: Likely pathogenic for Nemaline myopathy 2. Last evaluated: 2018-02-21. Review status: no assertion criteria provided. Collection method: clinical testing. Allele origin: unknown. Not counted in ClinVar's aggregate classification.

Literature cited by the submitters: PubMed 25205138 (cited by Labcorp Genetics (formerly Invitae), Labcorp and Counsyl); PubMed 16199547 (cited by Labcorp Genetics (formerly Invitae), Labcorp).

NM_001164508.2(NEB):c.3880-2A>G

Gene: NEB (nebulin; minus strand). Cytogenetic location: 2q23.3.
Variant type: single nucleotide variant.
Coding change: c.3880-2A>G on transcript NM_001164508.2 (MANE Select); the canonical splice acceptor site of the intron before coding-DNA position 3880, A replaced by G.
Molecular consequence: splice acceptor variant.
Genome position (GRCh38, 1-based): chr2:151,674,586, T>C on the plus strand (A>G on the coding strand, the complement: NEB is on the minus strand). VCF-style: chr2-151674586-T-C. GRCh37 (hg19) VCF-style: chr2-152531100-T-C.
Other names: c.3880-2A>G (NM_004543.5, NM_001164507.2, NM_001271208.2).
Identifiers: ClinVar variation 556861 (VCV000556861.13), dbSNP rs1342507012, ClinGen allele CA348817847.
Genomic context (GRCh38, chr2:151,674,586, plus strand): 5'-TCGCCCAGCACATTGTTGCCCTTGGCTATTAAGTCATACCAATCCCGTTTATAACAGACC[T>C]GGACAGAAAAGCAAACAGAATGTCAGCATCTGTAAGTGATTCCTCAACTGCTGGGATTGT-3'